The following is an entry in ClinVar:

NM_000829.4(GRIA4):c.-90-1G>C

Gene: GRIA4 (glutamate ionotropic receptor AMPA type subunit 4; plus strand). Cytogenetic location: 11q22.3.
Variant type: single nucleotide variant.
Coding change: c.-90-1G>C on transcript NM_000829.4 (MANE Select); the canonical splice acceptor site of the intron before 90 bases upstream of the start codon, G replaced by C.
Molecular consequence: splice acceptor variant. On other transcripts: 5 prime UTR variant (1), non-coding transcript variant (1).
Genome position (GRCh38, 1-based): chr11:105,610,907, G>C. VCF-style: chr11-105610907-G-C. GRCh37 (hg19) VCF-style: chr11-105481634-G-C.
Other names: c.-91G>C (NM_001112812.2); c.-90-1G>C (NM_001077243.3, NM_001077244.2).
Identifiers: ClinVar variation 2663109 (VCV002663109.1), dbSNP rs2135235124, ClinGen allele CA2615787244.

ClinVar aggregate classification (germline): Uncertain significance (1 of 4 stars; one submission).

Submission:

GeneDx
Classification: Uncertain significance. Last evaluated: 2023-05-03. Review status: criteria provided, single submitter. Criteria: GeneDx Variant Classification Process June 2021. Collection method: clinical testing. Allele origin: germline. Affected: yes.
Comment: Not observed at significant frequency in large population cohorts (gnomAD); Canonical splice site variant in a gene or region of a gene for which loss of function is not a well-established mechanism of disease; Has not been previously published as pathogenic or benign to our knowledge